The following is an entry in ClinVar:

NM_002911.4(UPF1):c.282C>G (p.Ala94=)

Gene: UPF1 (UPF1 RNA helicase and ATPase; plus strand). Cytogenetic location: 19p13.11.
Variant type: single nucleotide variant.
Coding change: c.282C>G on transcript NM_002911.4 (MANE Select); coding-DNA position 282, C replaced by G.
Protein change: p.Ala94=; no amino-acid change (alanine 94 retained).
Molecular consequence: synonymous variant.
Genome position (GRCh38, 1-based): chr19:18,846,030, C>G. VCF-style: chr19-18846030-C-G. GRCh37 (hg19) VCF-style: chr19-18956839-C-G.
Other names: c.282C>G, p.Ala94= (NM_001297549.2).
Identifiers: ClinVar variation 4534637 (VCV004534637.6).

ClinVar aggregate classification (germline): Likely benign (1 of 4 stars; one submission).

Submission:

CeGaT Center for Human Genetics Tuebingen
Classification: Likely benign. Last evaluated: 2025-10-01. Review status: criteria provided, single submitter. Criteria: CeGaT Center For Human Genetics Tuebingen Variant Classification Criteria Version 2. Collection method: clinical testing. Allele origin: germline. Affected: yes. Observed: 1 variant allele.
Comment: UPF1: PM2:Supporting, BP4, BP7